The following is an entry in ClinVar:

NM_017654.4(SAMD9):c.2150T>C (p.Met717Thr)

Gene: SAMD9 (sterile alpha motif domain containing 9; minus strand). Cytogenetic location: 7q21.2.
Variant type: single nucleotide variant.
Coding change: c.2150T>C on transcript NM_017654.4 (MANE Select); coding-DNA position 2150, T replaced by C.
Protein change: p.Met717Thr; replaces methionine 717 with threonine.
Molecular consequence: missense variant.
Genome position (GRCh38, 1-based): chr7:93,103,948, A>G on the plus strand (T>C on the coding strand, the complement: SAMD9 is on the minus strand). VCF-style: chr7-93103948-A-G. GRCh37 (hg19) VCF-style: chr7-92733261-A-G.
Other names: c.2150T>C, p.Met717Thr (NM_001193307.2); short protein forms M717T.
Identifiers: ClinVar variation 3792055 (VCV003792055.1).
Genomic context (GRCh38, chr7:93,103,948, plus strand): 5'-TGATACAGATGAATAATTTTGGTACTTGTTGGTTTAGAAGAATCTGCACAGTTTTGAATC[A>G]TTGCTTCAAGTCTTTCATATTTATCCCTTTTGACAAAAGGTGAAGAATAACTTTCAGAAG-3'
Protein context (NP_060124.2, residues 707-727): KRDKYERLEA[Met717Thr]IQNCADSSKP

ClinVar aggregate classification (germline): Uncertain significance (1 of 4 stars; one submission).

Conditions:
Inborn genetic diseases. Identifiers: MedGen C0950123, MeSH D030342.

gnomAD v4.1: 20 of 1,613,352 alleles (0.0012%); highest among the groups gnomAD compares: Non-Finnish European, 0.0017%; no homozygotes.

Submission:

Ambry Genetics
Classification: Uncertain significance for Inborn genetic diseases. Last evaluated: 2025-02-05. Review status: criteria provided, single submitter. Criteria: Ambry Variant Classification Scheme 2023. Collection method: clinical testing. Allele origin: germline.
Comment: The p.M717T variant (also known as c.2150T>C), located in coding exon 1 of the SAMD9 gene, results from a T to C substitution at nucleotide position 2150. The methionine at codon 717 is replaced by threonine, an amino acid with similar properties. This amino acid position is conserved. In addition, the in silico prediction for this alteration is inconclusive. Based on the available evidence, the clinical significance of this variant remains unclear.